The following is an entry in ClinVar:

ClinVar aggregate classification (germline): Conflicting classifications of pathogenicity. Review status: criteria provided, conflicting classifications (1 of 4 stars). 5 submissions from 5 submitters: Uncertain significance (1); Likely benign (1). 3 of the submissions do not count toward it. Last evaluated 2026-01-14.

Conditions:
Cardiomyopathy (CMYO). Also called: Cardiomyopathies. Identifiers: Orphanet 167848, MedGen C0878544, MONDO:0004994, HP:0001638. Inheritance: Various modes of inheritance.
Duchenne muscular dystrophy (DMD). Also called: MUSCULAR DYSTROPHY, PSEUDOHYPERTROPHIC PROGRESSIVE, DUCHENNE TYPE; Duchenne Muscular Dystrophy (DMD). Identifiers: Orphanet 98896, MedGen C0013264, MONDO:0010679, OMIM 310200.
Becker muscular dystrophy (BMD). Also called: Becker Muscular Dystrophy (BMD); MUSCULAR DYSTROPHY, PSEUDOHYPERTROPHIC PROGRESSIVE, BECKER TYPE. Identifiers: Orphanet 98895, MedGen C0917713, MONDO:0010311, OMIM 300376.
Dystrophin deficiency.

Allele frequency attached by ClinVar (database versions not stated): gnomAD exomes below 0.00001 and 0.00002; gnomAD 0.00001; TOPMed 0.00003.

Submissions (5):

Labcorp Genetics (formerly Invitae), Labcorp
Classification: Likely benign for Duchenne muscular dystrophy. Last evaluated: 2026-01-14. Review status: criteria provided, single submitter. Criteria: Invitae Variant Classification Sherloc (09022015). Collection method: clinical testing. Allele origin: germline.

GeneDx
Classification: Uncertain significance. Last evaluated: 2017-11-29. Review status: criteria provided, single submitter. Criteria: GeneDx Variant Classification (06012015). Collection method: clinical testing. Allele origin: germline. Affected: yes.
Comment: p.Met1313Val (ATG>GTG): c.3937 A>G in exon 29 of the DMD gene (NM_004006.2). The M1313V variant in the DMD gene has not been reported as a disease-causing mutation or as a benign polymorphism to our knowledge. The M1313V variant is a conservative amino acid substitution as these residues share similar properties, and are least likely to impact secondary structure. In silico analysis predicts M1313V is probably benign to the protein structure/function. No other disease-causing mutations in surrounding residues have been reported, indicating this region of the protein may be tolerant of change. Nevertheless, the M1313 residue is well conserved across species. Furthermore, the M1313V variant was not observed in approximately 5,400 individuals of European and African American ancestry in the NHLBI Exome Sequencing Project, indicating it is not a common benign variant in these populations.With the clinical and molecular information available at this time, we cannot definitively determine if M1313V is a disease-causing mutation or a rare benign variant. The variant is found in CARDIOMYOPATHY panel(s).

Natera, Inc.
Classification: Uncertain significance for Becker muscular dystrophy; Cardiomyopathy; Duchenne muscular dystrophy; Dystrophin deficiency. Last evaluated: 2020-04-15. Review status: no assertion criteria provided. Collection method: clinical testing. Allele origin: germline. Not counted in ClinVar's aggregate classification.

Diagnostic Laboratory, Department of Genetics, University Medical Center Groningen
Classification: Uncertain significance. Review status: no assertion criteria provided. Collection method: clinical testing. Allele origin: germline. Affected: yes. Study: VKGL Data-share Consensus. Not counted in ClinVar's aggregate classification.

Genome Diagnostics Laboratory, University Medical Center Utrecht
Classification: Uncertain significance. Review status: no assertion criteria provided. Collection method: clinical testing. Allele origin: germline. Affected: yes. Study: VKGL Data-share Consensus. Not counted in ClinVar's aggregate classification.

NM_004006.3(DMD):c.3937A>G (p.Met1313Val)

Gene: DMD (dystrophin; minus strand). Cytogenetic location: Xp21.1.
Variant type: single nucleotide variant.
Coding change: c.3937A>G on transcript NM_004006.3 (MANE Select); coding-DNA position 3937, A replaced by G.
Protein change: p.Met1313Val; replaces methionine 1313 with valine.
Molecular consequence: missense variant.
Genome position (GRCh38, 1-based): chrX:32,438,375, T>C on the plus strand (A>G on the coding strand, the complement: DMD is on the minus strand). VCF-style: chrX-32438375-T-C. GRCh37 (hg19) VCF-style: chrX-32456492-T-C.
Other names: p.M1313V:ATG>GTG; c.3913A>G, p.Met1305Val (NM_000109.4); c.3925A>G, p.Met1309Val (NM_004009.3); c.3568A>G, p.Met1190Val (NM_004010.3); short protein forms M1313V, M1305V, M1190V, M1309V.
Identifiers: ClinVar variation 201748 (VCV000201748.11), dbSNP rs794729003, ClinGen allele CA308391.